The following is an entry in ClinVar:

NM_017763.6(RNF43):c.1405G>T (p.Gly469Trp)

Gene: RNF43 (ring finger protein 43; minus strand). Cytogenetic location: 17q22.
Variant type: single nucleotide variant.
Coding change: c.1405G>T on transcript NM_017763.6 (MANE Select); coding-DNA position 1405, G replaced by T.
Protein change: p.Gly469Trp; replaces glycine 469 with tryptophan.
Molecular consequence: missense variant.
Genome position (GRCh38, 1-based): chr17:58,358,371, C>A on the plus strand (G>T on the coding strand, the complement: RNF43 is on the minus strand). VCF-style: chr17-58358371-C-A. GRCh37 (hg19) VCF-style: chr17-56435732-C-A.
Other names: c.1405G>T, p.Gly469Trp (NM_001305544.3); c.1024G>T, p.Gly342Trp (NM_001305545.2); short protein forms G342W, G469W.
Identifiers: ClinVar variation 3946833 (VCV003946833.1).

ClinVar aggregate classification (germline): Uncertain significance (1 of 4 stars; one submission).

Submission:

Ambry Genetics
Classification: Uncertain significance. Last evaluated: 2025-03-28. Review status: criteria provided, single submitter. Criteria: Ambry Variant Classification Scheme 2023. Collection method: clinical testing. Allele origin: germline.
Comment: The p.G469W variant (also known as c.1405G>T), located in coding exon 8 of the RNF43 gene, results from a G to T substitution at nucleotide position 1405. The glycine at codon 469 is replaced by tryptophan, an amino acid with highly dissimilar properties. This amino acid position is conserved. In addition, the in silico prediction for this alteration is inconclusive. Based on the available evidence, the clinical significance of this variant remains unclear.